The following is an entry in ClinVar:

ClinVar aggregate classification (germline): Likely benign (1 of 4 stars; one submission).

Conditions:
Glycogen storage disease IXb (GSD9B). Also called: GLYCOGENOSIS OF LIVER AND MUSCLE, AUTOSOMAL RECESSIVE; GSD IXb; PHOSPHORYLASE KINASE DEFICIENCY OF LIVER AND MUSCLE, AUTOSOMAL RECESSIVE. Identifiers: Orphanet 79240, MedGen C0543514, MONDO:0009868, OMIM 261750.

Allele frequency attached by ClinVar (database versions not stated): gnomAD 0.00382 and 0.00411; TOPMed 0.00444; 1000 Genomes Project 0.00519; 1000 Genomes Project 30x 0.00547.

Submission:

Illumina Laboratory Services, Illumina
Classification: Likely benign for Glycogen storage disease IXb. Last evaluated: 2018-01-13. Review status: criteria provided, single submitter. Criteria: ICSL Variant Classification Criteria 13 December 2019. Collection method: clinical testing. Allele origin: germline.
Comment: This variant was observed in the ICSL laboratory as part of a predisposition screen in an ostensibly healthy population. It had not been previously curated by ICSL or reported in the Human Gene Mutation Database (HGMD: prior to June 1st, 2018), and was therefore a candidate for classification through an automated scoring system. Utilizing variant allele frequency, disease prevalence and penetrance estimates, and inheritance mode, an automated score was calculated to assess if this variant is too frequent to cause the disease. Based on the score and internal cut-off values, a variant classified as likely benign is not then subjected to further curation. The score for this variant resulted in a classification of likely benign for this disease.

NM_000293.3(PHKB):c.*915G>A

Gene: PHKB (phosphorylase kinase regulatory subunit beta; plus strand). Cytogenetic location: 16q12.1.
Variant type: single nucleotide variant.
Coding change: c.*915G>A on transcript NM_000293.3 (MANE Select); 915 bases downstream of the stop codon, G replaced by A.
Molecular consequence: 3 prime UTR variant.
Genome position (GRCh38, 1-based): chr16:47,700,281, G>A. VCF-style: chr16-47700281-G-A. GRCh37 (hg19) VCF-style: chr16-47734192-G-A.
Other names: c.*915G>A (NM_001031835.3, NM_001363837.1).
Identifiers: ClinVar variation 319378 (VCV000319378.5), dbSNP rs151262633, ClinGen allele CA10647544.
Genomic context (GRCh38, chr16:47,700,281, plus strand): 5'-ATGCCTTTAAACCCAGCTACTGAGGAGGCTGAGGCATGAGAATTGCTTGAACCAGGAGAC[G>A]GAGGTTGCAGTGAGCTGAAATCCTGCCACTGCACACCAGCCTGGGTGACAGAGCGAGACT-3'